The following is an entry in ClinVar:

ClinVar aggregate classification (germline): Likely benign. Review status: criteria provided, multiple submitters, no conflicts (2 of 4 stars). 3 submissions from 3 submitters: Likely benign (3). Last evaluated 2025-10-23.

Conditions:
LRP5-related disorder. Also called: LRP5-related condition.

Allele frequency attached by ClinVar (database versions not stated): TOPMed 0.00003; gnomAD 0.00004 and 0.00005; ExAC 0.00005; gnomAD exomes 0.00005 and 0.00006.
gnomAD v4.1: 81 of 1,613,486 alleles (0.005%); highest among the groups gnomAD compares: Middle Eastern, 0.033%; no homozygotes.

Submissions (3):

Labcorp Genetics (formerly Invitae), Labcorp
Classification: Likely benign. Last evaluated: 2025-10-23. Review status: criteria provided, single submitter. Criteria: Invitae Variant Classification Sherloc (09022015). Collection method: clinical testing. Allele origin: germline.

PreventionGenetics, part of Exact Sciences
Classification: Likely benign for LRP5-related condition. Last evaluated: 2025-07-24. Review status: criteria provided, single submitter. Criteria: ACMG Guidelines, 2015. Collection method: clinical testing. Allele origin: germline.
Comment: This variant is classified as likely benign based on ACMG/AMP sequence variant interpretation guidelines (Richards et al. 2015 PMID: 25741868, with internal and published modifications).

Blueprint Genetics
Classification: Likely benign. Last evaluated: 2023-04-14. Review status: criteria provided, single submitter. Criteria: ACMG Guidelines, 2015. Collection method: clinical testing. Allele origin: germline.

NM_002335.4(LRP5):c.1338C>T (p.Asn446=)

Gene: LRP5 (LDL receptor related protein 5; plus strand). Cytogenetic location: 11q13.2.
Variant type: single nucleotide variant.
Coding change: c.1338C>T on transcript NM_002335.4 (MANE Select); coding-DNA position 1338, C replaced by T.
Protein change: p.Asn446=; no amino-acid change (asparagine 446 retained).
Molecular consequence: synonymous variant. On other transcripts: 5 prime UTR variant (1).
Genome position (GRCh38, 1-based): chr11:68,386,638, C>T. VCF-style: chr11-68386638-C-T. GRCh37 (hg19) VCF-style: chr11-68154106-C-T.
Other names: c.-428C>T (NM_001291902.2).
Identifiers: ClinVar variation 737131 (VCV000737131.12), dbSNP rs777187538, ClinGen allele CA6149307.